The following is an entry in ClinVar:

NM_000492.4(CFTR):c.2859_2890del (p.Leu953fs)

Gene: CFTR (CF transmembrane conductance regulator; plus strand). Cytogenetic location: 7q31.2.
Variant type: Deletion.
Coding change: c.2859_2890del on transcript NM_000492.4 (MANE Select); coding-DNA positions 2859 to 2890, 32 bases deleted.
Protein change: p.Leu953fs; shifts the reading frame from leucine 953.
Molecular consequence: frameshift variant.
Genome position (GRCh38, 1-based): chr7:117,603,733-117,603,764, 32 bases deleted. GRCh37 (hg19): chr7:117,243,787-117,243,818.
Other names: 2991del32; c.2859_2890delACATTCTGTTCTTCAAGCACCTATGTCAACCC (NM_000492.3); c.2859_2890del32 (NM_000492.3); short protein forms L953fs.
Identifiers: ClinVar variation 53581 (VCV000053581.12), dbSNP rs397508445, ClinGen allele CA326947.

ClinVar aggregate classification (germline): Pathogenic. Review status: reviewed by expert panel (3 of 4 stars). 6 submissions from 6 submitters: Pathogenic (1). 5 of the submissions do not count toward it. Last evaluated 2017-03-17.

Conditions:
CFTR-related disorder (CFTR-RD). Also called: CFTR-related disorders; CFTR-related condition. Identifiers: MedGen C5924204, MONDO:7770004.
Cystic fibrosis (CF). Also called: MUCOVISCIDOSIS. Identifiers: Orphanet 586, MedGen C0010674, MONDO:0009061, OMIM 219700. Disease mechanism: loss of function.

Allele frequency attached by ClinVar (database versions not stated): gnomAD exomes below 0.00001.

Submissions (6):

CFTR2
Classification: Pathogenic for Cystic fibrosis. Last evaluated: 2017-03-17. Review status: reviewed by expert panel. Criteria: Sosnay PR et al. (Nat Genet 2013). Collection method: research. Allele origin: germline. Affected: yes. Study: CFTR2.

Natera, Inc.
Classification: Pathogenic for CFTR-related disorders. Last evaluated: 2024-08-08. Review status: criteria provided, single submitter. Criteria: Natera Variant Classification Schema (03/2026). Collection method: clinical testing. Allele origin: germline. Not counted in ClinVar's aggregate classification.
Comment: The c.2859_2890delACATTCTGTTCTTCAAGCACCTATGTCAACCC variant in CFTR is a frameshift variant predicted to shift the reading frame beginning at codon 953 and leads to a stop codon 11 codons downstream. This variant is expected to result in nonsense mediated decay, truncation, or a dysfunctional protein product. This variant is rare in the general population with a frequency below the threshold expected for the associated phenotype(s). This variant has been observed in one or more individuals affected with the associated recessive disease, as either homozygous or compound heterozygous with a second variant (PMID: 7524915). Given the available evidence, this variant is classified as Pathogenic.

Institute of Human Genetics, University of Leipzig Medical Center
Classification: Pathogenic for Cystic fibrosis. Last evaluated: 2022-09-05. Review status: criteria provided, single submitter. Criteria: ACMG Guidelines, 2015. Collection method: curation. Allele origin: unknown. Affected: yes. Observed: 6 variant alleles. Not counted in ClinVar's aggregate classification.
Comment: This variant was identified in 6 unrelated patients with a clinically confirmed diagnosis of cystic fibrosis. The variant was classified in the context of a project re-classifying variants in the German Cystic Fibrosis Registry (Muko.e.V.). Criteria applied: PVS1, PS3_SUP, PM2_SUP, PM3_STR, PP4

Ambry Genetics
Classification: Pathogenic for Cystic fibrosis. Last evaluated: 2022-06-15. Review status: criteria provided, single submitter. Criteria: Ambry Variant Classification Scheme 2023. Collection method: clinical testing. Allele origin: germline. Not counted in ClinVar's aggregate classification.
Comment: The c.2859_2890del32 pathogenic mutation, located in coding exon 17 of the CFTR gene, results from a deletion of 32 nucleotides at nucleotide positions 2859 to 2890, causing a translational frameshift with a predicted alternate stop codon (p.L953Ffs*11). This alteration is expected to result in loss of function by premature protein truncation or nonsense-mediated mRNA decay. As such, this alteration is interpreted as a disease-causing mutation.

Labcorp Genetics (formerly Invitae), Labcorp
Classification: Pathogenic for Cystic fibrosis. Last evaluated: 2022-05-28. Review status: criteria provided, single submitter. Criteria: Invitae Variant Classification Sherloc (09022015). Collection method: clinical testing. Allele origin: germline. Not counted in ClinVar's aggregate classification.
Comment: This sequence change creates a premature translational stop signal (p.Leu953Phefs*11) in the CFTR gene. It is expected to result in an absent or disrupted protein product. Loss-of-function variants in CFTR are known to be pathogenic (PMID: 1695717, 7691345, 9725922). This variant is present in population databases (rs397508445, gnomAD 0.0009%). This premature translational stop signal has been observed in individual(s) with cystic fibrosis (PMID: 7519167). ClinVar contains an entry for this variant (Variation ID: 53581). For these reasons, this variant has been classified as Pathogenic.

Mendelics
Classification: Pathogenic for Cystic fibrosis. Last evaluated: 2018-11-05. Review status: criteria provided, single submitter. Criteria: Mendelics Assertion Criteria 2017. Collection method: clinical testing. Allele origin: unknown. Affected: yes. Not counted in ClinVar's aggregate classification.

Literature cited by the submitters: PubMed 7524915 (cited by Natera, Inc.); PubMed 1695717 (cited by Labcorp Genetics (formerly Invitae), Labcorp); PubMed 7691345 (cited by Labcorp Genetics (formerly Invitae), Labcorp); PubMed 9725922 (cited by Labcorp Genetics (formerly Invitae), Labcorp); PubMed 7519167 (cited by Labcorp Genetics (formerly Invitae), Labcorp).